The following is an entry in ClinVar:

ClinVar aggregate classification (germline): Likely pathogenic (1 of 4 stars; one submission).

Conditions:
Early-onset myopathy with fatal cardiomyopathy (CMYO5). Also called: Salih Myopathy; CONGENITAL MYOPATHY 5 WITH CARDIOMYOPATHY. Identifiers: Orphanet 289377, MedGen C2673677, MONDO:0012714, OMIM 611705. Disease mechanism: loss of function.

Submission:

Juno Genomics, Hangzhou Juno Genomics, Inc
Classification: Likely pathogenic for Early-onset myopathy with fatal cardiomyopathy. Review status: criteria provided, single submitter. Criteria: ACMG Guidelines, 2015. Collection method: clinical testing. Allele origin: germline.
Comment: Absent from controls (or at extremely low frequency if recessive) in Genome Aggregation Database.;Null variant in a gene where loss of function (LOF) is a known mechanism of disease.

NM_001267550.2(TTN):c.48353del (p.Asp16118fs)

Genes: TTN (titin; minus strand), TTN-AS1 (TTN antisense RNA 1; plus strand). Cytogenetic location: 2q31.2.
Variant type: Deletion.
Coding change: c.48353del on transcript NM_001267550.2 (MANE Select); coding-DNA position 48353, one base deleted (A; older notation c.48353delA).
Protein change: p.Asp16118fs; shifts the reading frame from aspartic acid 16118.
Molecular consequence: frameshift variant.
Genome position (GRCh38, 1-based): chr2:178,615,748, T deleted on the plus strand (A on the coding strand, the reverse complement: TTN is on the minus strand). VCF-style (leftmost placement, unchanged base first): chr2-178615747-AT-A. GRCh37 (hg19) VCF-style: chr2-179480474-AT-A.
Other names: c.43430del, p.Asp14477fs (NM_001256850.1); c.21158del, p.Asp7053fs (NM_003319.4); c.40649del, p.Asp13550fs (NM_133378.4); c.21533del, p.Asp7178fs (NM_133432.3); c.21734del, p.Asp7245fs (NM_133437.4); short protein forms D13550fs, D14477fs, D16118fs, D7053fs, D7178fs, D7245fs.
Identifiers: ClinVar variation 5019044 (VCV005019044.2).